The following is an entry in ClinVar:

NM_014003.4(DHX38):c.1701G>C (p.Gln567His)

Gene: DHX38 (DEAH-box helicase 38; plus strand). Cytogenetic location: 16q22.2.
Variant type: single nucleotide variant.
Coding change: c.1701G>C on transcript NM_014003.4 (MANE Select); coding-DNA position 1701, G replaced by C.
Protein change: p.Gln567His; replaces glutamine 567 with histidine.
Molecular consequence: missense variant.
Genome position (GRCh38, 1-based): chr16:72,103,665, G>C. VCF-style: chr16-72103665-G-C. GRCh37 (hg19) VCF-style: chr16-72137564-G-C.
Other names: short protein forms Q567H.
Identifiers: ClinVar variation 849372 (VCV000849372.9), dbSNP rs1448629075, ClinGen allele CA396707976.

ClinVar aggregate classification (germline): Uncertain significance (1 of 4 stars; one submission).

Submission:

Labcorp Genetics (formerly Invitae), Labcorp
Classification: Uncertain significance. Last evaluated: 2022-07-05. Review status: criteria provided, single submitter. Criteria: Invitae Variant Classification Sherloc (09022015). Collection method: clinical testing. Allele origin: germline.
Comment: Algorithms developed to predict the effect of missense changes on protein structure and function are either unavailable or do not agree on the potential impact of this missense change (SIFT: "Deleterious"; PolyPhen-2: "Probably Damaging"; Align-GVGD: "Class C15"). ClinVar contains an entry for this variant (Variation ID: 849372). This variant has not been reported in the literature in individuals affected with DHX38-related conditions. This variant is not present in population databases (gnomAD no frequency). This sequence change replaces glutamine, which is neutral and polar, with histidine, which is basic and polar, at codon 567 of the DHX38 protein (p.Gln567His). In summary, the available evidence is currently insufficient to determine the role of this variant in disease. Therefore, it has been classified as a Variant of Uncertain Significance.